The following is an entry in ClinVar:

NM_002609.4(PDGFRB):c.3246G>A (p.Pro1082=)

Gene: PDGFRB (platelet derived growth factor receptor beta; minus strand). Cytogenetic location: 5q32.
Variant type: single nucleotide variant.
Coding change: c.3246G>A on transcript NM_002609.4 (MANE Select); coding-DNA position 3246, G replaced by A.
Protein change: p.Pro1082=; no amino-acid change (proline 1082 retained).
Molecular consequence: synonymous variant.
Genome position (GRCh38, 1-based): chr5:150,115,838, C>T on the plus strand (G>A on the coding strand, the complement: PDGFRB is on the minus strand). VCF-style: chr5-150115838-C-T. GRCh37 (hg19) VCF-style: chr5-149495401-C-T.
Other names: c.3054G>A, p.Pro1018= (NM_001355016.2); c.2763G>A, p.Pro921= (NM_001355017.2).
Identifiers: ClinVar variation 3043773 (VCV003043773.3), dbSNP rs762120386, ClinGen allele CA3507372.

ClinVar aggregate classification (germline): Likely benign. Review status: criteria provided, single submitter (1 of 4 stars). 2 submissions from 2 submitters: Likely benign (1). 1 of the submissions does not count toward it. Last evaluated 2024-09-13.

Conditions:
PDGFRB-related disorder. Also called: PDGFRB-related condition.

Allele frequency attached by ClinVar (database versions not stated): gnomAD exomes 0.00003; ExAC 0.00004; gnomAD 0.00005; TOPMed 0.00006.
gnomAD v4.1: 58 of 1,612,794 alleles (0.0036%); highest among the groups gnomAD compares: African/African-American, 0.02%; no homozygotes.

Submissions (2):

Blueprint Genetics
Classification: Likely benign. Last evaluated: 2024-09-13. Review status: criteria provided, single submitter. Criteria: ACMG Guidelines, 2015. Collection method: clinical testing. Allele origin: germline.

PreventionGenetics, part of Exact Sciences
Classification: Likely benign for PDGFRB-related condition. Last evaluated: 2019-05-30. Review status: no assertion criteria provided. Collection method: clinical testing. Allele origin: germline. Not counted in ClinVar's aggregate classification.
Comment: This variant is classified as likely benign based on ACMG/AMP sequence variant interpretation guidelines (Richards et al. 2015 PMID: 25741868, with internal and published modifications).